The following is an entry in ClinVar:

NM_001194998.2(CEP152):c.4589G>T (p.Arg1530Ile)

Gene: CEP152 (centrosomal protein 152; minus strand). Cytogenetic location: 15q21.1.
Variant type: single nucleotide variant.
Coding change: c.4589G>T on transcript NM_001194998.2 (MANE Select); coding-DNA position 4589, G replaced by T.
Protein change: p.Arg1530Ile; replaces arginine 1530 with isoleucine.
Molecular consequence: missense variant.
Genome position (GRCh38, 1-based): chr15:48,738,793, C>A on the plus strand (G>T on the coding strand, the complement: CEP152 is on the minus strand). VCF-style: chr15-48738793-C-A. GRCh37 (hg19) VCF-style: chr15-49030990-C-A.
Other names: c.4421G>T, p.Arg1474Ile (NM_014985.4); c.4589G>T (NM_001194998.1); short protein forms R1530I, R1474I.
Identifiers: ClinVar variation 1449008 (VCV001449008.6), dbSNP rs772707697, ClinGen allele CA7548071.

ClinVar aggregate classification (germline): Uncertain significance. Review status: criteria provided, single submitter (1 of 4 stars). 2 submissions from 2 submitters: Uncertain significance (1). 1 of the submissions does not count toward it. Last evaluated 2021-09-02.

Conditions:
CEP152-related disorder. Also called: CEP152-related condition; CEP152-related disorders. Identifiers: MedGen CN239248.

Allele frequency attached by ClinVar (database versions not stated): ExAC 0.00002; gnomAD 0.00002 and 0.00003.
gnomAD v4.1: 48 of 1,614,152 alleles (0.003%); highest among the groups gnomAD compares: Non-Finnish European, 0.0037%; no homozygotes.

Submissions (2):

Labcorp Genetics (formerly Invitae), Labcorp
Classification: Uncertain significance. Last evaluated: 2021-09-02. Review status: criteria provided, single submitter. Criteria: Invitae Variant Classification Sherloc (09022015). Collection method: clinical testing. Allele origin: germline.
Comment: This sequence change replaces arginine with isoleucine at codon 1474 of the CEP152 protein (p.Arg1474Ile). The arginine residue is moderately conserved and there is a moderate physicochemical difference between arginine and isoleucine. This variant is present in population databases (rs772707697, ExAC 0.003%). This variant has not been reported in the literature in individuals affected with CEP152-related conditions. Algorithms developed to predict the effect of missense changes on protein structure and function (SIFT, PolyPhen-2, Align-GVGD) all suggest that this variant is likely to be tolerated. In summary, the available evidence is currently insufficient to determine the role of this variant in disease. Therefore, it has been classified as a Variant of Uncertain Significance.

PreventionGenetics, part of Exact Sciences
Classification: Uncertain significance for CEP152-related condition. Last evaluated: 2024-08-30. Review status: no assertion criteria provided. Collection method: clinical testing. Allele origin: germline. Not counted in ClinVar's aggregate classification.
Comment: The CEP152 c.4589G>T variant is predicted to result in the amino acid substitution p.Arg1530Ile. To our knowledge, this variant has not been reported in the literature. This variant is reported in 0.0035% of alleles in individuals of European (Non-Finnish) descent in gnomAD. At this time, the clinical significance of this variant is uncertain due to the absence of conclusive functional and genetic evidence.